The following is an entry in ClinVar:

NM_015021.3(ZNF292):c.5321A>G (p.Lys1774Arg)

Gene: ZNF292 (zinc finger protein 292; plus strand). Cytogenetic location: 6q14.3.
Variant type: single nucleotide variant.
Coding change: c.5321A>G on transcript NM_015021.3 (MANE Select); coding-DNA position 5321, A replaced by G.
Protein change: p.Lys1774Arg; replaces lysine 1774 with arginine.
Molecular consequence: missense variant.
Genome position (GRCh38, 1-based): chr6:87,258,950, A>G. VCF-style: chr6-87258950-A-G. GRCh37 (hg19) VCF-style: chr6-87968668-A-G.
Other names: c.4901A>G, p.Lys1634Arg (NM_001351444.2); short protein forms K1634R, K1774R.
Identifiers: ClinVar variation 5041166 (VCV005041166.1).

ClinVar aggregate classification (germline): Likely benign (1 of 4 stars; one submission).

Submission:

CeGaT Center for Human Genetics Tuebingen
Classification: Likely benign. Last evaluated: 2026-10-01. Review status: criteria provided, single submitter. Criteria: CeGaT Center For Human Genetics Tuebingen Variant Classification Criteria Version 2. Collection method: clinical testing. Allele origin: germline. Affected: yes. Observed: 1 variant allele.
Comment: ZNF292: BP4